The following is an entry in ClinVar:

ClinVar aggregate classification (germline): other (0 of 4 stars; one submission).

Conditions:
Familial colorectal cancer. Identifiers: MedGen CN280943, MONDO:0023113. Disease mechanism: loss of function.

Submission:

Systems Biology Platform Zhejiang California International NanoSystems Institute
Classification: other for Familial colorectal cancer. Review status: no assertion criteria provided. Collection method: not provided. Allele origin: unknown.
ClinVar note: Converted during submission from cancer to other.

NM_000038.6(APC):c.-18-2126C>G

Gene: APC (APC regulator of WNT signaling pathway; plus strand). Cytogenetic location: 5q22.2.
Variant type: single nucleotide variant.
Coding change: c.-18-2126C>G on transcript NM_000038.6 (MANE Select); 2126 bases into the intron before 18 bases upstream of the start codon, C replaced by G.
Molecular consequence: intron variant.
Genome position (GRCh38, 1-based): chr5:112,752,747, C>G. VCF-style: chr5-112752747-C-G. GRCh37 (hg19) VCF-style: chr5-112088444-C-G.
Other names: c.-18-2126C>G (NM_001354895.2, NM_001127510.3, NM_001354896.2 and 2 more transcripts); c.166-13579C>G (NM_001354897.2, NM_001354902.2, NM_001127511.3); c.61-13579C>G (NM_001354898.2, NM_001354904.2); c.-1053-2126C>G (NM_001354906.2); c.-42-13579C>G (NM_001354900.2, NM_001354901.2, NM_001354905.2).
Identifiers: ClinVar variation 82806 (VCV000082806.2), dbSNP rs74792427, ClinGen allele CA006043.
Genomic context (GRCh38, chr5:112,752,747, plus strand): 5'-ATTTATGACTTCACAAATTTTGTATGACTTCACAAGTTTTGGATTAGGGAGGTATGGCTG[C>G]AGCATCCTAAAACAATATAAGGTTGGGTATTCTTCCATGAAACTTGTTATTTTTTCCATA-3'